The following is an entry in ClinVar:

NM_198880.3(QRICH1):c.2287A>T (p.Ile763Phe)

Gene: QRICH1 (glutamine rich 1; minus strand). Cytogenetic location: 3p21.31.
Variant type: single nucleotide variant.
Coding change: c.2287A>T on transcript NM_198880.3 (MANE Select); coding-DNA position 2287, A replaced by T.
Protein change: p.Ile763Phe; replaces isoleucine 763 with phenylalanine.
Molecular consequence: missense variant.
Genome position (GRCh38, 1-based): chr3:49,030,496, T>A on the plus strand (A>T on the coding strand, the complement: QRICH1 is on the minus strand). VCF-style: chr3-49030496-T-A. GRCh37 (hg19) VCF-style: chr3-49067929-T-A.
Other names: c.2287A>T, p.Ile763Phe (NM_001320580.2, NM_001320581.2, NM_001320582.2 and 4 more transcripts); short protein forms I763F.
Identifiers: ClinVar variation 5037111 (VCV005037111.1).

ClinVar aggregate classification (germline): Uncertain significance (1 of 4 stars; one submission).

Submission:

GeneDx
Classification: Uncertain significance. Last evaluated: 2026-04-21. Review status: criteria provided, single submitter. Criteria: GeneDx Variant Classification Process June 2021. Collection method: clinical testing. Allele origin: germline.
Comment: Not observed at significant frequency in large population cohorts (gnomAD); In silico analysis supports that this missense variant has a deleterious effect on protein structure/function; Has not been previously published as pathogenic or benign to our knowledge